The following is an entry in ClinVar:

NM_004415.4(DSP):c.7773_7776del (p.Ser2591fs)

Gene: DSP (desmoplakin; plus strand). Cytogenetic location: 6p24.3.
Variant type: Microsatellite.
Coding change: c.7773_7776del on transcript NM_004415.4 (MANE Select); coding-DNA positions 7773 to 7776, 4 bases deleted (TAAG; older notation c.7773_7776delTAAG).
Protein change: p.Ser2591fs; shifts the reading frame from serine 2591.
Molecular consequence: frameshift variant.
Genome position (GRCh38, 1-based): chr6:7,585,035-7,585,038, TAAG deleted; deleting any 4 consecutive bases within chr6:7,585,029-7,585,038 gives the same sequence; the c. name uses the placement nearest the transcript's 3' end. VCF-style (leftmost placement, unchanged base first): chr6-7585028-CAGTA-C. GRCh37 (hg19) VCF-style: chr6-7585261-CAGTA-C.
Other names: c.5976_5979del, p.Ser1992fs (NM_001008844.3); c.6444_6447del, p.Ser2148fs (NM_001319034.2); c.7773_7776delTAAG (NM_004415.2); c.7773_7776del (NM_004415.3); short protein forms S2148fs, S2591fs, S1992fs.
Identifiers: ClinVar variation 923199 (VCV000923199.19), dbSNP rs763560697, ClinGen allele CA050660.

ClinVar aggregate classification (germline): Pathogenic/Likely pathogenic. Review status: criteria provided, multiple submitters, no conflicts (2 of 4 stars). 7 submissions from 7 submitters: Pathogenic (2); Likely pathogenic (5). Last evaluated 2026-04-01.

Conditions:
Arrhythmogenic cardiomyopathy with wooly hair and keratoderma. Also called: Arrhythmogenic cardiomyopathy with woolly hair and keratoderma; Carvajal syndrome; PALMOPLANTAR KERATODERMA WITH LEFT VENTRICULAR CARDIOMYOPATHY AND WOOLLY HAIR; Dilated cardiomyopathy with woolly hair and keratoderma. Identifiers: Orphanet 65282, MedGen C1854063, MONDO:0011581, OMIM 605676.
Arrhythmogenic right ventricular dysplasia 8 (ARVD8). Also called: Arrhythmogenic Right Ventricular Dysplasia/Cardiomyopathy 8; ARRHYTHMOGENIC RIGHT VENTRICULAR DYSPLASIA, FAMILIAL, 8; ARRHYTHMOGENIC RIGHT VENTRICULAR CARDIOMYOPATHY 8. Identifiers: MedGen C1843896, MONDO:0011831, OMIM 607450.
Cardiomyopathy (CMYO). Also called: Cardiomyopathies. Identifiers: Orphanet 167848, MedGen C0878544, MONDO:0004994, HP:0001638. Inheritance: Various modes of inheritance.
Cardiovascular phenotype. Identifiers: MedGen CN230736.

Submissions (7):

CeGaT Center for Human Genetics Tuebingen
Classification: Likely pathogenic. Last evaluated: 2026-04-01. Review status: criteria provided, single submitter. Criteria: CeGaT Center For Human Genetics Tuebingen Variant Classification Criteria Version 2. Collection method: clinical testing. Allele origin: germline. Affected: yes. Observed: 1 variant allele.
Comment: DSP: PM2, PS4:Moderate, PVS1:Moderate

Molecular Diagnostic Laboratory for Inherited Cardiovascular Disease, Montreal Heart Institute
Classification: Likely pathogenic for Cardiovascular phenotype. Last evaluated: 2026-01-06. Review status: criteria provided, single submitter. Criteria: ACMG Guidelines, 2015. Collection method: clinical testing. Allele origin: germline. Affected: yes.
Comment: PVS1_strong, PS4_supp, PM2

GeneDx
Classification: Likely pathogenic. Last evaluated: 2025-08-24. Review status: criteria provided, single submitter. Criteria: GeneDx Variant Classification Process June 2021. Collection method: clinical testing. Allele origin: germline. Affected: yes.
Comment: Frameshift variant predicted to result in protein truncation or nonsense mediated decay in a gene for which loss of function is a known mechanism of disease; Not observed at significant frequency in large population cohorts (gnomAD); This variant is associated with the following publications: (PMID: 32880476, 36264615, 36580316)

Labcorp Genetics (formerly Invitae), Labcorp
Classification: Pathogenic for Arrhythmogenic cardiomyopathy with wooly hair and keratoderma; Arrhythmogenic right ventricular dysplasia 8. Last evaluated: 2024-09-19. Review status: criteria provided, single submitter. Criteria: Invitae Variant Classification Sherloc (09022015). Collection method: clinical testing. Allele origin: germline.
Comment: This sequence change creates a premature translational stop signal (p.Ser2591Argfs*11) in the DSP gene. While this is not anticipated to result in nonsense mediated decay, it is expected to disrupt the last 281 amino acid(s) of the DSP protein. This variant is present in population databases (rs763560697, gnomAD 0.004%). This premature translational stop signal has been observed in individual(s) with dilated cardiomyopathy (PMID: 32880476). ClinVar contains an entry for this variant (Variation ID: 923199). This variant disrupts a region of the DSP protein in which other variant(s) (p.Glu2728Glyfs*11) have been determined to be pathogenic (internal data). This suggests that this is a clinically significant region of the protein, and that variants that disrupt it are likely to be disease-causing. For these reasons, this variant has been classified as Pathogenic.

All of Us Research Program, National Institutes of Health
Classification: Likely pathogenic for Arrhythmogenic cardiomyopathy with wooly hair and keratoderma. Last evaluated: 2023-08-15. Review status: criteria provided, single submitter. Criteria: ACMG Guidelines, 2015. Collection method: clinical testing. Allele origin: germline. Inheritance: Autosomal dominant inheritance. Observed: 1 variant allele, 1 heterozygote.
Comment: This variant causes a deletion of 4 nucleotides in exon 24 of the DSP gene, creating a frameshift and premature translation stop signal in the last exon. Although functional studies have not been reported, this variant is predicted to escape nonsense-mediated decay and be expressed as a truncated protein with disruption to the linker region between the C-terminal plakin repeat domains B and C and downstream C-terminal sequence that have been reported to be essential for interaction with intermediate filaments (PMID: 12101406, 12802069, 21756917). In addition, truncating variants occurring downstream of this variant are known to be disease-causing (ClinVar variation ID: 246676, 263803). This variant has been reported in a few individuals affected with dilated cardiomyopathy (PMID: 32880476, Burns 2019, dissertation, The University of Sydney). This variant has been identified in 3/251484 chromosomes in the general population by the Genome Aggregation Database (gnomAD). Based on the available evidence, this variant is classified as Likely Pathogenic.

This study involves interpretation of variants in research participants for the purpose of population health screening. Participant phenotype was not available at the time of variant classification. Additional details can be found in publication PMID: 35346344, PMCID: PMC8962531

Color Diagnostics, LLC DBA Color Health
Classification: Likely pathogenic for Cardiomyopathy. Last evaluated: 2023-06-22. Review status: criteria provided, single submitter. Criteria: ACMG Guidelines, 2015. Collection method: clinical testing. Allele origin: germline.
Comment: This variant causes a deletion of 4 nucleotides in exon 24 of the DSP gene, creating a frameshift and premature translation stop signal in the last exon. Although functional studies have not been reported, this variant is predicted to escape nonsense-mediated decay and be expressed as a truncated protein with disruption to the linker region between the C-terminal plakin repeat domains B and C and downstream C-terminal sequence that have been reported to be essential for interaction with intermediate filaments (PMID: 12101406, 12802069, 21756917). In addition, truncating variants occurring downstream of this variant are known to be disease-causing (ClinVar variation ID: 246676, 263803). This variant has been reported in a few individuals affected with dilated cardiomyopathy (PMID: 32880476, Burns 2019, dissertation, The University of Sydney). This variant has been identified in 3/251484 chromosomes in the general population by the Genome Aggregation Database (gnomAD). Based on the available evidence, this variant is classified as Likely Pathogenic.

Neuberg Centre For Genomic Medicine, NCGM
Classification: Pathogenic for Arrhythmogenic cardiomyopathy with wooly hair and keratoderma. Review status: criteria provided, single submitter. Criteria: ACMG Guidelines, 2015. Collection method: clinical testing. Allele origin: germline. Inheritance: Autosomal recessive inheritance. Affected: yes.
Comment: The frame shift (c.7773_7776del) variant has been reported previously in patients affected with Cardiomyopathy, dilated, with woolly hair and keratoderma (Verdonschot et. al. , 2020). This variant disrupts a region of the DSP protein in which other variant(s) (p.Glu2728Glyfs*11) have been determined to be pathogenic. The p.Ser2591ArgfsTer11 variant is novel (not in any individuals) in 1000 Genomes and has an allele frequency of 0.001% in gnomAD database. This variant has been reported to the ClinVar database as Pathogenic/Likely Pathogenic and Variant of Uncertain Significance (VUS). This variant causes a frameshift starting with codon Serine 2591, changes this amino acid to Arginine residue, and creates a premature Stop codon at position 11 of the new reading frame, denoted p.Ser2591ArgfsTer11. This variant is predicted to cause loss of normal protein function through protein truncation. Loss of function variants have been previously reported to be disease causing. The observed variant lies in the last exon. For these reasons, this variant has been classified as Pathogenic.

Literature cited by the submitters: PubMed 32880476 (cited by 3 submitters); PubMed 12101406 (cited by All of Us Research Program, National Institutes of Health and Color Diagnostics, LLC DBA Color Health); PubMed 12802069 (cited by All of Us Research Program, National Institutes of Health and Color Diagnostics, LLC DBA Color Health); PubMed 21756917 (cited by All of Us Research Program, National Institutes of Health and Color Diagnostics, LLC DBA Color Health).